The following is an entry in ClinVar:

NM_003906.5(MCM3AP):c.5327T>C (p.Val1776Ala)

Genes: MCM3AP (minichromosome maintenance complex component 3 associated protein; minus strand), MCM3AP-AS1 (MCM3AP antisense RNA 1; plus strand). Cytogenetic location: 21q22.3.
Variant type: single nucleotide variant.
Coding change: c.5327T>C on transcript NM_003906.5 (MANE Select); coding-DNA position 5327, T replaced by C.
Protein change: p.Val1776Ala; replaces valine 1776 with alanine.
Molecular consequence: missense variant. On other transcripts: non-coding transcript variant (2).
Genome position (GRCh38, 1-based): chr21:46,242,901, A>G on the plus strand (T>C on the coding strand, the complement: MCM3AP is on the minus strand). VCF-style: chr21-46242901-A-G. GRCh37 (hg19) VCF-style: chr21-47662815-A-G.
Other names: short protein forms V1776A.
Identifiers: ClinVar variation 2067393 (VCV002067393.1), dbSNP rs146864331, ClinGen allele CA10075881.
Genomic context (GRCh38, chr21:46,242,901, plus strand): 5'-CTGGCTTGTTCCCACGACAAAGGAACATCATATTTTTTCAAATCGTTTTTAAAAAAATAC[A>G]CACATATCTGACCATCTTCACTCAGCGCCTCTGAGAAAACAATACAAAAACAGATAAAGA-3'
Protein context (NP_003897.2, residues 1766-1786): EALSEDGQIC[Val1776Ala]YFFKNDLKKY

ClinVar aggregate classification (germline): Uncertain significance (1 of 4 stars; one submission).

Allele frequency attached by ClinVar (database versions not stated): ExAC 0.00015; gnomAD 0.00027; TOPMed 0.00028; gnomAD exomes 0.00029; ESP Exome Variant Server 0.00046.
gnomAD v4.1: 461 of 1,613,498 alleles (0.029%); highest among the groups gnomAD compares: Non-Finnish European, 0.036%; no homozygotes.

Submission:

Labcorp Genetics (formerly Invitae), Labcorp
Classification: Uncertain significance. Last evaluated: 2022-10-23. Review status: criteria provided, single submitter. Criteria: Invitae Variant Classification Sherloc (09022015). Collection method: clinical testing. Allele origin: germline.
Comment: This sequence change replaces valine, which is neutral and non-polar, with alanine, which is neutral and non-polar, at codon 1776 of the MCM3AP protein (p.Val1776Ala). This variant is present in population databases (rs146864331, gnomAD 0.03%). This variant has not been reported in the literature in individuals affected with MCM3AP-related conditions. Algorithms developed to predict the effect of missense changes on protein structure and function (SIFT, PolyPhen-2, Align-GVGD) all suggest that this variant is likely to be disruptive. In summary, the available evidence is currently insufficient to determine the role of this variant in disease. Therefore, it has been classified as a Variant of Uncertain Significance.